The following is an entry in ClinVar:

ClinVar aggregate classification (germline): Benign/Likely benign. Review status: criteria provided, multiple submitters, no conflicts (2 of 4 stars). 6 submissions from 6 submitters: Benign (4); Likely benign (1). 1 of the submissions does not count toward it. Last evaluated 2026-02-04.

Conditions:
Hermansky-Pudlak syndrome 1 (HPS1). Also called: DELTA STORAGE POOL DISEASE. Identifiers: Orphanet 231500, Orphanet 79430, MedGen C2931875, MONDO:0008748, OMIM 203300.
Hermansky-Pudlak syndrome (HPS). Also called: ALBINISM WITH HEMORRHAGIC DIATHESIS AND PIGMENTED RETICULOENDOTHELIAL CELLS. Identifiers: Orphanet 79430, MedGen C0079504, MONDO:0019312.

Allele frequency attached by ClinVar (database versions not stated): ExAC 0.00443; gnomAD 0.01348; ESP Exome Variant Server 0.01415; TOPMed 0.01484; 1000 Genomes Project 0.01597; 1000 Genomes Project 30x 0.01843.
gnomAD v4.1: 4,522 of 1,614,094 alleles (0.28%); highest among the groups gnomAD compares: African/African-American, 4.7%; 99 homozygotes.

Submissions (6):

Labcorp Genetics (formerly Invitae), Labcorp
Classification: Benign. Last evaluated: 2026-02-04. Review status: criteria provided, single submitter. Criteria: Invitae Variant Classification Sherloc (09022015). Collection method: clinical testing. Allele origin: germline.

Mayo Clinic Laboratories, Mayo Clinic
Classification: Benign. Last evaluated: 2025-09-04. Review status: criteria provided, single submitter. Criteria: ACMG Guidelines, 2015. Collection method: clinical testing. Allele origin: germline. Observed: 7 variant alleles.
Comment: BA1, BS2, BP4, BP7

Blueprint Genetics
Classification: Likely benign. Last evaluated: 2024-11-13. Review status: criteria provided, single submitter. Criteria: ACMG Guidelines, 2015. Collection method: clinical testing. Allele origin: germline.

Illumina Laboratory Services, Illumina
Classification: Benign for Hermansky-Pudlak syndrome 1. Last evaluated: 2018-01-13. Review status: criteria provided, single submitter. Criteria: ICSL Variant Classification Criteria 13 December 2019. Collection method: clinical testing. Allele origin: germline.
Comment: This variant was observed in the ICSL laboratory as part of a predisposition screen in an ostensibly healthy population. It had not been previously curated by ICSL or reported in the Human Gene Mutation Database (HGMD: prior to June 1st, 2018), and was therefore a candidate for classification through an automated scoring system. Utilizing variant allele frequency, disease prevalence and penetrance estimates, and inheritance mode, an automated score was calculated to assess if this variant is too frequent to cause the disease. Based on the score and internal cut-off values, a variant classified as benign is not then subjected to further curation. The score for this variant resulted in a classification of benign for this disease.

Breakthrough Genomics
Classification: Benign. Review status: criteria provided, single submitter. Criteria: ACMG Guidelines, 2015. Collection method: not provided. Allele origin: germline. Inheritance: Autosomal recessive inheritance. Affected: yes.

Natera, Inc.
Classification: Benign for Hermansky-Pudlak syndrome. Last evaluated: 2020-09-16. Review status: no assertion criteria provided. Collection method: clinical testing. Allele origin: germline. Not counted in ClinVar's aggregate classification.

NM_000195.5(HPS1):c.159G>A (p.Pro53=)

Gene: HPS1 (HPS1 biogenesis of lysosomal organelles complex 3 subunit 1; minus strand). Cytogenetic location: 10q24.2.
Variant type: single nucleotide variant.
Coding change: c.159G>A on transcript NM_000195.5 (MANE Select); coding-DNA position 159, G replaced by A.
Protein change: p.Pro53=; no amino-acid change (proline 53 retained).
Molecular consequence: synonymous variant. On other transcripts: 5 prime UTR variant (6).
Genome position (GRCh38, 1-based): chr10:98,435,731, C>T on the plus strand (G>A on the coding strand, the complement: HPS1 is on the minus strand). VCF-style: chr10-98435731-C-T. GRCh37 (hg19) VCF-style: chr10-100195488-C-T.
Other names: p.Pro53=; c.-758G>A (NM_001311345.2); c.159G>A, p.Pro53= (NM_001322476.2, NM_001322477.2, NM_001322478.2 and 8 more transcripts); c.-68G>A (NM_001322483.2, NM_001322484.2, NM_001322485.2); c.-857G>A (NM_001322487.2); c.-615G>A (NM_001322489.2).
Identifiers: ClinVar variation 298354 (VCV000298354.19), dbSNP rs78504928, ClinGen allele CA5639485.